The following is an entry in ClinVar:

NM_020987.5(ANK3):c.12740A>G (p.Lys4247Arg)

Gene: ANK3 (ankyrin 3; minus strand). Cytogenetic location: 10q21.2.
Variant type: single nucleotide variant.
Coding change: c.12740A>G on transcript NM_020987.5 (MANE Select); coding-DNA position 12740, A replaced by G.
Protein change: p.Lys4247Arg; replaces lysine 4247 with arginine.
Molecular consequence: missense variant.
Genome position (GRCh38, 1-based): chr10:60,055,983, T>C on the plus strand (A>G on the coding strand, the complement: ANK3 is on the minus strand). VCF-style: chr10-60055983-T-C. GRCh37 (hg19) VCF-style: chr10-61815741-T-C.
Other names: c.2612A>G, p.Lys871Arg (NM_001149.4); c.5192A>G, p.Lys1731Arg (NM_001204403.2); c.5213A>G, p.Lys1738Arg (NM_001204404.2); c.5210A>G, p.Lys1737Arg (NM_001320874.2); short protein forms K1737R, K871R, K1731R, K4247R, K1738R.
Identifiers: ClinVar variation 2988090 (VCV002988090.3), dbSNP rs995936040, ClinGen allele CA207317444.

ClinVar aggregate classification (germline): Uncertain significance (1 of 4 stars; one submission).

Allele frequency attached by ClinVar (database versions not stated): gnomAD exomes 0.00001; TOPMed 0.00004; gnomAD 0.00005.
gnomAD v4.1: 10 of 1,613,812 alleles (0.00062%); highest among the groups gnomAD compares: African/African-American, 0.013%; no homozygotes.

Submission:

Labcorp Genetics (formerly Invitae), Labcorp
Classification: Uncertain significance. Last evaluated: 2023-07-19. Review status: criteria provided, single submitter. Criteria: Invitae Variant Classification Sherloc (09022015). Collection method: clinical testing. Allele origin: germline.
Comment: This sequence change replaces lysine, which is basic and polar, with arginine, which is basic and polar, at codon 4247 of the ANK3 protein (p.Lys4247Arg). This variant is present in population databases (no rsID available, gnomAD 0.01%). This variant has not been reported in the literature in individuals affected with ANK3-related conditions. Advanced modeling of protein sequence and biophysical properties (such as structural, functional, and spatial information, amino acid conservation, physicochemical variation, residue mobility, and thermodynamic stability) performed at Invitae indicates that this missense variant is not expected to disrupt ANK3 protein function. In summary, the available evidence is currently insufficient to determine the role of this variant in disease. Therefore, it has been classified as a Variant of Uncertain Significance.